The following is an entry in ClinVar:

ClinVar aggregate classification (germline): Uncertain significance. Review status: criteria provided, multiple submitters, no conflicts (2 of 4 stars). 2 submissions from 2 submitters: Uncertain significance (2). Last evaluated 2025-08-26.

Conditions:
RASopathy. Also called: rasopathies; Noonan spectrum disorder. Identifiers: Orphanet 536391, MedGen C5555857, MONDO:0021060.

gnomAD v4.1: 1 of 1,613,758 alleles (0.000062%); highest among the groups gnomAD compares: Non-Finnish European, 0.000085%; no homozygotes.

Submissions (2):

Labcorp Genetics (formerly Invitae), Labcorp
Classification: Uncertain significance for RASopathy. Last evaluated: 2025-08-26. Review status: criteria provided, single submitter. Criteria: Invitae Variant Classification Sherloc (09022015). Collection method: clinical testing. Allele origin: germline.
Comment: This sequence change replaces cysteine, which is neutral and slightly polar, with tyrosine, which is neutral and polar, at codon 401 of the CBL protein (p.Cys401Tyr). This variant is present in population databases (no rsID available, gnomAD 0.0009%). This variant has not been reported in the literature in individuals affected with CBL-related conditions. Invitae Evidence Modeling of protein sequence and biophysical properties (such as structural, functional, and spatial information, amino acid conservation, physicochemical variation, residue mobility, and thermodynamic stability) indicates that this missense variant is expected to disrupt CBL protein function with a positive predictive value of 95%. In summary, the available evidence is currently insufficient to determine the role of this variant in disease. Therefore, it has been classified as a Variant of Uncertain Significance.

Blueprint Genetics
Classification: Uncertain significance. Last evaluated: 2023-06-07. Review status: criteria provided, single submitter. Criteria: ACMG Guidelines, 2015. Collection method: clinical testing. Allele origin: germline.

NM_005188.4(CBL):c.1202G>A (p.Cys401Tyr)

Gene: CBL (Cbl proto-oncogene; plus strand). Cytogenetic location: 11q23.3.
Variant type: single nucleotide variant.
Coding change: c.1202G>A on transcript NM_005188.4 (MANE Select); coding-DNA position 1202, G replaced by A.
Protein change: p.Cys401Tyr; replaces cysteine 401 with tyrosine.
Molecular consequence: missense variant.
Genome position (GRCh38, 1-based): chr11:119,278,272, G>A. VCF-style: chr11-119278272-G-A. GRCh37 (hg19) VCF-style: chr11-119148982-G-A.
Other names: short protein forms C401Y.
Identifiers: ClinVar variation 4747589 (VCV004747589.2).